The following is an entry in ClinVar:

NM_001007553.3(CSDE1):c.1046A>G (p.Glu349Gly)

Gene: CSDE1 (cold shock domain containing E1; minus strand). Cytogenetic location: 1p13.2.
Variant type: single nucleotide variant.
Coding change: c.1046A>G on transcript NM_001007553.3 (MANE Select); coding-DNA position 1046, A replaced by G.
Protein change: p.Glu349Gly; replaces glutamic acid 349 with glycine.
Molecular consequence: missense variant.
Genome position (GRCh38, 1-based): chr1:114,732,608, T>C on the plus strand (A>G on the coding strand, the complement: CSDE1 is on the minus strand). VCF-style: chr1-114732608-T-C. GRCh37 (hg19) VCF-style: chr1-115275229-T-C.
Other names: c.1091A>G, p.Glu364Gly (NM_001130523.3); c.1184A>G, p.Glu395Gly (NM_001242891.2); c.1046A>G, p.Glu349Gly (NM_001242892.2); c.953A>G, p.Glu318Gly (NM_001242893.2, NM_007158.6); short protein forms E318G, E349G, E364G, E395G.
Identifiers: ClinVar variation 2662018 (VCV002662018.2), dbSNP rs2526556639, ClinGen allele CA341755512.

ClinVar aggregate classification (germline): Uncertain significance (1 of 4 stars; one submission).

Submission:

GeneDx
Classification: Uncertain significance. Last evaluated: 2024-02-02. Review status: criteria provided, single submitter. Criteria: GeneDx Variant Classification Process June 2021. Collection method: clinical testing. Allele origin: germline.
Comment: Not observed at significant frequency in large population cohorts (gnomAD); In silico analysis supports that this missense variant has a deleterious effect on protein structure/function; Has not been previously published as pathogenic or benign to our knowledge